The following is an entry in ClinVar:

ClinVar aggregate classification (germline): Likely benign (1 of 4 stars; one submission).

gnomAD v4.1: 5 of 1,561,796 alleles (0.00032%); highest among the groups gnomAD compares: South Asian, 0.0061%; no homozygotes.

Submission:

CeGaT Center for Human Genetics Tuebingen
Classification: Likely benign. Last evaluated: 2024-07-01. Review status: criteria provided, single submitter. Criteria: CeGaT Center For Human Genetics Tuebingen Variant Classification Criteria Version 2. Collection method: clinical testing. Allele origin: germline. Affected: yes. Observed: 1 variant allele.
Comment: DSCAM: BP4

NM_001389.5(DSCAM):c.2357-6T>C

Gene: DSCAM (DS cell adhesion molecule; minus strand). Cytogenetic location: 21q22.2.
Variant type: single nucleotide variant.
Coding change: c.2357-6T>C on transcript NM_001389.5 (MANE Select); 6 bases into the intron before coding-DNA position 2357, T replaced by C.
Molecular consequence: intron variant.
Genome position (GRCh38, 1-based): chr21:40,189,244, A>G on the plus strand (T>C on the coding strand, the complement: DSCAM is on the minus strand). VCF-style: chr21-40189244-A-G. GRCh37 (hg19) VCF-style: chr21-41561171-A-G.
Other names: c.2357-6T>C (NM_001271534.3).
Identifiers: ClinVar variation 3257498 (VCV003257498.17).
Genomic context (GRCh38, chr21:40,189,244, plus strand): 5'-TTCTGCCCCTGCGTGGCCAGGGTAGTATTTGGATAGGATGTTATCATCGCAGGAACTGAA[A>G]AAGCAAAAGGGACACAACTTGTTCAGCAAAGCAGGGTTCTTGATTTTCCCTGGCAAAACA-3'